The following is an entry in ClinVar:

NM_006341.4(MAD2L2):c.455C>T (p.Thr152Met)

Gene: MAD2L2 (mitotic arrest deficient 2 like 2; minus strand). Cytogenetic location: 1p36.22.
Variant type: single nucleotide variant.
Coding change: c.455C>T on transcript NM_006341.4 (MANE Select); coding-DNA position 455, C replaced by T.
Protein change: p.Thr152Met; replaces threonine 152 with methionine.
Molecular consequence: missense variant.
Genome position (GRCh38, 1-based): chr1:11,675,704, G>A on the plus strand (C>T on the coding strand, the complement: MAD2L2 is on the minus strand). VCF-style: chr1-11675704-G-A. GRCh37 (hg19) VCF-style: chr1-11735761-G-A.
Other names: c.455C>T, p.Thr152Met (NM_001127325.2); short protein forms T152M.
Identifiers: ClinVar variation 2868663 (VCV002868663.3), dbSNP rs139303308, ClinGen allele CA593690.

ClinVar aggregate classification (germline): Uncertain significance (1 of 4 stars; one submission).

Allele frequency attached by ClinVar (database versions not stated): ExAC 0.00002; ESP Exome Variant Server 0.00008.
gnomAD v4.1: 21 of 1,613,942 alleles (0.0013%); highest among the groups gnomAD compares: African/African-American, 0.02%; no homozygotes.

Submission:

Labcorp Genetics (formerly Invitae), Labcorp
Classification: Uncertain significance. Last evaluated: 2025-06-09. Review status: criteria provided, single submitter. Criteria: Invitae Variant Classification Sherloc (09022015). Collection method: clinical testing. Allele origin: germline.
Comment: This sequence change replaces threonine, which is neutral and polar, with methionine, which is neutral and non-polar, at codon 152 of the MAD2L2 protein (p.Thr152Met). This variant is present in population databases (rs139303308, gnomAD 0.006%). This variant has not been reported in the literature in individuals affected with MAD2L2-related conditions. ClinVar contains an entry for this variant (Variation ID: 2868663). An algorithm developed to predict the effect of missense changes on protein structure and function (PolyPhen-2) suggests that this variant is likely to be disruptive. In summary, the available evidence is currently insufficient to determine the role of this variant in disease. Therefore, it has been classified as a Variant of Uncertain Significance.